The following is an entry in ClinVar:

NM_000541.5(SAG):c.440G>T (p.Cys147Phe)

Gene: SAG (S-antigen visual arrestin; plus strand). Cytogenetic location: 2q37.1.
Variant type: single nucleotide variant.
Coding change: c.440G>T on transcript NM_000541.5 (MANE Select); coding-DNA position 440, G replaced by T.
Protein change: p.Cys147Phe; replaces cysteine 147 with phenylalanine.
Molecular consequence: missense variant.
Genome position (GRCh38, 1-based): chr2:233,327,125, G>T. VCF-style: chr2-233327125-G-T. GRCh37 (hg19) VCF-style: chr2-234235771-G-T.
Other names: short protein forms C147F.
Identifiers: ClinVar variation 862338 (VCV000862338.11), dbSNP rs753107507, ClinGen allele CA2174381.

ClinVar aggregate classification (germline): Pathogenic. Review status: criteria provided, multiple submitters, no conflicts (2 of 4 stars). 3 submissions from 3 submitters: Pathogenic (2). 1 of the submissions does not count toward it. Last evaluated 2025-11-28.

Conditions:
Retinitis pigmentosa 96 (RP96). Also called: Retinitis pigmentosa 96, autosomal dominant. Identifiers: MedGen C5774303, MONDO:0859367, OMIM 620228.
SAG-related disorder. Also called: SAG-related condition; SAG-related disorders.

Allele frequency attached by ClinVar (database versions not stated): ExAC 0.00001; gnomAD exomes 0.00001.
gnomAD v4.1: 2 of 1,613,708 alleles (0.00012%); highest among the groups gnomAD compares: Admixed American, 0.0033%; no homozygotes.

Submissions (3):

Labcorp Genetics (formerly Invitae), Labcorp
Classification: Pathogenic. Last evaluated: 2025-11-28. Review status: criteria provided, single submitter. Criteria: Invitae Variant Classification Sherloc (09022015). Collection method: clinical testing. Allele origin: germline.
Comment: This sequence change replaces cysteine, which is neutral and slightly polar, with phenylalanine, which is neutral and non-polar, at codon 147 of the SAG protein (p.Cys147Phe). This variant is present in population databases (rs753107507, gnomAD 0.009%). This missense change has been observed in individuals with autosomal dominant retinitis pigmentosa (PMID: 28549094; internal data). It has also been observed to segregate with disease in related individuals. ClinVar contains an entry for this variant (Variation ID: 862338). Invitae Evidence Modeling of protein sequence and biophysical properties (such as structural, functional, and spatial information, amino acid conservation, physicochemical variation, residue mobility, and thermodynamic stability) indicates that this missense variant is expected to disrupt SAG protein function with a positive predictive value of 80%. Experimental studies have shown that this missense change affects SAG function (PMID: 29305604). For these reasons, this variant has been classified as Pathogenic.

Blueprint Genetics
Classification: Pathogenic for SAG-related disorders. Last evaluated: 2023-06-07. Review status: criteria provided, single submitter. Criteria: ACMG Guidelines, 2015. Collection method: clinical testing. Allele origin: germline. Affected: yes. Observed: 5 variant alleles.

OMIM
Classification: Pathogenic for RETINITIS PIGMENTOSA 96. Last evaluated: 2025-11-24. Review status: no assertion criteria provided. Collection method: literature only. Allele origin: germline. Not counted in ClinVar's aggregate classification.

Literature cited by the submitters: PubMed 28549094 (cited by Labcorp Genetics (formerly Invitae), Labcorp and OMIM); PubMed 29305604 (cited by Labcorp Genetics (formerly Invitae), Labcorp); PubMed 33047631 (cited by OMIM).